The following is an entry in ClinVar:

ClinVar aggregate classification (germline): Uncertain significance (1 of 4 stars; one submission).

Conditions:
Neurofibromatosis, type 1 (NF1). Also called: NEUROFIBROMATOSIS, TYPE I, SOMATIC; Neurofibromatosis, type I; VON RECKLINGHAUSEN DISEASE; Peripheral type neurofibromatosis. Identifiers: Orphanet 636, MedGen C0027831, MONDO:0018975, OMIM 162200. Disease mechanism: loss of function.

Submission:

Labcorp Genetics (formerly Invitae), Labcorp
Classification: Uncertain significance for Neurofibromatosis, type 1. Last evaluated: 2025-12-09. Review status: criteria provided, single submitter. Criteria: Invitae Variant Classification Sherloc (09022015). Collection method: clinical testing. Allele origin: germline.
Comment: This sequence change replaces arginine, which is basic and polar, with threonine, which is neutral and polar, at codon 2465 of the NF1 protein (p.Arg2465Thr). This variant also falls at the last nucleotide of exon 49, which is part of the consensus splice site for this exon. This variant is not present in population databases (gnomAD no frequency). This variant has not been reported in the literature in individuals affected with NF1-related conditions. An algorithm developed to predict the effect of missense changes on protein structure and function (PolyPhen-2) suggests that this variant is likely to be tolerated. Variants that disrupt the consensus splice site are a relatively common cause of aberrant splicing (PMID: 17576681, 9536098). In summary, the available evidence is currently insufficient to determine the role of this variant in disease. Therefore, it has been classified as a Variant of Uncertain Significance.

Literature cited by the submitters: PubMed 17576681; PubMed 9536098.

NM_001042492.3(NF1):c.7457G>C (p.Arg2486Thr)

Gene: NF1 (neurofibromin 1; plus strand). Cytogenetic location: 17q11.2.
Variant type: single nucleotide variant.
Coding change: c.7457G>C on transcript NM_001042492.3 (MANE Select); coding-DNA position 7457, G replaced by C.
Protein change: p.Arg2486Thr; replaces arginine 2486 with threonine.
Molecular consequence: missense variant.
Genome position (GRCh38, 1-based): chr17:31,350,318, G>C. VCF-style: chr17-31350318-G-C. GRCh37 (hg19) VCF-style: chr17-29677336-G-C.
Other names: c.7394G>C, p.Arg2465Thr (NM_000267.4); short protein forms R2465T, R2486T.
Identifiers: ClinVar variation 4745309 (VCV004745309.1).